The following is an entry in ClinVar:

NM_000193.4(SHH):c.562G>C (p.Glu188Gln)

Gene: SHH (sonic hedgehog signaling molecule; minus strand). Cytogenetic location: 7q36.3.
Variant type: single nucleotide variant.
Coding change: c.562G>C on transcript NM_000193.4 (MANE Select); coding-DNA position 562, G replaced by C.
Protein change: p.Glu188Gln; replaces glutamic acid 188 with glutamine.
Molecular consequence: missense variant. On other transcripts: non-coding transcript variant (2).
Genome position (GRCh38, 1-based): chr7:155,806,296, C>G on the plus strand (G>C on the coding strand, the complement: SHH is on the minus strand). VCF-style: chr7-155806296-C-G. GRCh37 (hg19) VCF-style: chr7-155598990-C-G.
Other names: c.562G>C; c.301G>C, p.Gly101Arg (NM_001310462.2); short protein forms E188Q, G101R.
Identifiers: ClinVar variation 65876 (VCV000065876.3), dbSNP rs587778799, ClinGen allele CA345211.

ClinVar aggregate classification (germline): Likely pathogenic. Review status: criteria provided, single submitter (1 of 4 stars). 2 submissions from 2 submitters: Likely pathogenic (1). 1 of the submissions does not count toward it. Last evaluated 2025-02-27.

Conditions:
Holoprosencephaly 3 (HPE3). Identifiers: Orphanet 2162, MedGen C1840529, MONDO:0007733, OMIM 142945.

Submissions (2):

Laboratory of Molecular Genetics, CHU Rennes
Classification: Likely pathogenic for Holoprosencephaly 3. Last evaluated: 2025-02-27. Review status: criteria provided, single submitter. Criteria: ACMG Guidelines, 2015. Collection method: clinical testing. Allele origin: maternal. Inheritance: Oligogenic inheritance. Affected: yes.
Comment: The NM_000193.4:c.562G>C, is a missense variant in SHH in the Hint domain (PM1), absent from controls (PM2), predicted pathogenic by prediction tools (PP3).

GeneReviews
Classification: Pathogenic for Holoprosencephaly. Last evaluated: 2013-08-29. Review status: no assertion criteria provided. Collection method: curation. Allele origin: unknown. Not counted in ClinVar's aggregate classification.
ClinVar note: Converted during submission from pathologic to Pathogenic.